The following is an entry in ClinVar:

NM_001009944.3(PKD1):c.6063G>A (p.Leu2021=)

Gene: PKD1 (polycystin 1, transient receptor potential channel interacting; minus strand). Cytogenetic location: 16p13.3.
Variant type: single nucleotide variant.
Coding change: c.6063G>A on transcript NM_001009944.3 (MANE Select); coding-DNA position 6063, G replaced by A.
Protein change: p.Leu2021=; no amino-acid change (leucine 2021 retained).
Molecular consequence: synonymous variant.
Genome position (GRCh38, 1-based): chr16:2,109,104, C>T on the plus strand (G>A on the coding strand, the complement: PKD1 is on the minus strand). VCF-style: chr16-2109104-C-T. GRCh37 (hg19) VCF-style: chr16-2159105-C-T.
Other names: c.6063G>A, p.Leu2021= (NM_000296.4).
Identifiers: ClinVar variation 3780274 (VCV003780274.5).
Genomic context (GRCh38, chr16:2,109,104, plus strand): 5'-GCGCACCTGGATCTCCAACAGCCCCGCGGCCACGGGCGTGTAGGTGACGTCGCGGCCCGA[C>T]AGGATGACCAGCGAGTCGCCCTGGACCTTCTGCAGCGAGAAGTACCAGGCGTAGGCGACC-3'
Protein context (NP_001009944.3, residues 2011-2031): QKVQGDSLVI[Leu2021=]SGRDVTYTPV

ClinVar aggregate classification (germline): Likely benign. Review status: criteria provided, multiple submitters, no conflicts (2 of 4 stars). 2 submissions from 2 submitters: Likely benign (2). Last evaluated 2026-03-01.

Conditions:
Polycystic kidney disease, adult type (PKD1). Also called: Polycystic Kidney Disease 1, Autosomal Dominant; Polycystic kidney disease 1; Polycystic kidney disease 1, severe; Polycystic Kidney, Autosomal Dominant; POLYCYSTIC KIDNEY DISEASE 1 WITH OR WITHOUT POLYCYSTIC LIVER DISEASE; POLYCYSTIC KIDNEY DISEASE, ADULT, TYPE I. Identifiers: MedGen C3149841, MONDO:0008263, OMIM 173900.

gnomAD v4.1: 183 of 1,603,138 alleles (0.011%); highest among the groups gnomAD compares: Non-Finnish European, 0.014%; no homozygotes.

Submissions (2):

CeGaT Center for Human Genetics Tuebingen
Classification: Likely benign. Last evaluated: 2026-03-01. Review status: criteria provided, single submitter. Criteria: CeGaT Center For Human Genetics Tuebingen Variant Classification Criteria Version 2. Collection method: clinical testing. Allele origin: germline. Affected: yes. Observed: 1 variant allele.
Comment: PKD1: BP4, BP7

Department of Pathology and Laboratory Medicine, Sinai Health System
Classification: Likely benign for Polycystic kidney disease, adult type. Last evaluated: 2021-08-25. Review status: criteria provided, single submitter. Criteria: ACMG Guidelines, 2015. Collection method: clinical testing. Allele origin: germline. Affected: yes.